The following is an entry in ClinVar:

NM_000440.3(PDE6A):c.1754C>T (p.Thr585Met)

Gene: PDE6A (phosphodiesterase 6A; minus strand). Cytogenetic location: 5q32.
Variant type: single nucleotide variant.
Coding change: c.1754C>T on transcript NM_000440.3 (MANE Select); coding-DNA position 1754, C replaced by T.
Protein change: p.Thr585Met; replaces threonine 585 with methionine.
Molecular consequence: missense variant.
Genome position (GRCh38, 1-based): chr5:149,886,349, G>A on the plus strand (C>T on the coding strand, the complement: PDE6A is on the minus strand). VCF-style: chr5-149886349-G-A. GRCh37 (hg19) VCF-style: chr5-149265912-G-A.
Other names: c.1754C>T (NM_000440.2); short protein forms T585M.
Identifiers: ClinVar variation 1467021 (VCV001467021.6), dbSNP rs547792004, ClinGen allele CA3504544.

ClinVar aggregate classification (germline): Uncertain significance. Review status: criteria provided, multiple submitters, no conflicts (2 of 4 stars). 3 submissions from 3 submitters: Uncertain significance (3). Last evaluated 2025-07-31.

Conditions:
Inborn genetic diseases. Identifiers: MedGen C0950123, MeSH D030342.

Allele frequency attached by ClinVar (database versions not stated): TOPMed 0.00001; ExAC 0.00002; gnomAD exomes 0.00005.
gnomAD v4.1: 36 of 1,613,880 alleles (0.0022%); highest among the groups gnomAD compares: South Asian, 0.02%; no homozygotes.

Submissions (3):

Ambry Genetics
Classification: Uncertain significance for Inborn genetic diseases. Last evaluated: 2025-07-31. Review status: criteria provided, single submitter. Criteria: Ambry Variant Classification Scheme 2023. Collection method: clinical testing. Allele origin: germline.

Blueprint Genetics
Classification: Uncertain significance. Last evaluated: 2022-10-27. Review status: criteria provided, single submitter. Criteria: ACMG Guidelines, 2015. Collection method: clinical testing. Allele origin: germline.

Labcorp Genetics (formerly Invitae), Labcorp
Classification: Uncertain significance. Last evaluated: 2022-08-16. Review status: criteria provided, single submitter. Criteria: Invitae Variant Classification Sherloc (09022015). Collection method: clinical testing. Allele origin: germline.
Comment: In summary, the available evidence is currently insufficient to determine the role of this variant in disease. Therefore, it has been classified as a Variant of Uncertain Significance. Algorithms developed to predict the effect of missense changes on protein structure and function are either unavailable or do not agree on the potential impact of this missense change (SIFT: "Deleterious"; PolyPhen-2: "Probably Damaging"; Align-GVGD: "Class C15"). ClinVar contains an entry for this variant (Variation ID: 1467021). This variant has not been reported in the literature in individuals affected with PDE6A-related conditions. This variant is present in population databases (rs547792004, gnomAD 0.03%). This sequence change replaces threonine, which is neutral and polar, with methionine, which is neutral and non-polar, at codon 585 of the PDE6A protein (p.Thr585Met).